The following is an entry in ClinVar:

NM_003072.5(SMARCA4):c.162C>G (p.His54Gln)

Gene: SMARCA4 (SWI/SNF related BAF chromatin remodeling complex subunit ATPase 4; plus strand). Cytogenetic location: 19p13.2.
Variant type: single nucleotide variant.
Coding change: c.162C>G on transcript NM_003072.5 (MANE Select); coding-DNA position 162, C replaced by G.
Protein change: p.His54Gln; replaces histidine 54 with glutamine.
Molecular consequence: missense variant. On other transcripts: non-coding transcript variant (1).
Genome position (GRCh38, 1-based): chr19:10,984,313, C>G. VCF-style: chr19-10984313-C-G. GRCh37 (hg19) VCF-style: chr19-11094989-C-G.
Other names: c.162C>G, p.His54Gln (NM_001128844.3, NM_001128845.2, NM_001128846.2 and 6 more transcripts); short protein forms H54Q.
Identifiers: ClinVar variation 1776784 (VCV001776784.2), dbSNP rs1330092211, ClinGen allele CA404054513.

ClinVar aggregate classification (germline): Uncertain significance (1 of 4 stars; one submission).

Conditions:
Hereditary cancer-predisposing syndrome. Also called: Neoplastic Syndromes, Hereditary; Tumor predisposition; Hereditary Cancer Syndrome; Hereditary neoplastic syndrome. Identifiers: Orphanet 140162, MedGen C0027672, MeSH D009386, MONDO:0015356.

gnomAD v4.1: 2 of 1,606,294 alleles (0.00012%); highest among the groups gnomAD compares: Non-Finnish European, 0.00017%; no homozygotes.

Submission:

Ambry Genetics
Classification: Uncertain significance for Hereditary cancer-predisposing syndrome. Last evaluated: 2020-08-27. Review status: criteria provided, single submitter. Criteria: Ambry Variant Classification Scheme 2023. Collection method: clinical testing. Allele origin: germline.
Comment: The p.H54Q variant (also known as c.162C>G), located in coding exon 1 of the SMARCA4 gene, results from a C to G substitution at nucleotide position 162. The histidine at codon 54 is replaced by glutamine, an amino acid with highly similar properties. This amino acid position is highly conserved in available vertebrate species. In addition, the in silico prediction for this alteration is inconclusive. Since supporting evidence is limited at this time, the clinical significance of this alteration remains unclear.